The following is an entry in ClinVar:

NM_003872.3(NRP2):c.1800G>T (p.Thr600=)

Gene: NRP2 (neuropilin 2; plus strand). Cytogenetic location: 2q33.3.
Variant type: single nucleotide variant.
Coding change: c.1800G>T on transcript NM_003872.3 (MANE Select); coding-DNA position 1800, G replaced by T.
Protein change: p.Thr600=; no amino-acid change (threonine 600 retained).
Molecular consequence: synonymous variant.
Genome position (GRCh38, 1-based): chr2:205,749,738, G>T. VCF-style: chr2-205749738-G-T. GRCh37 (hg19) VCF-style: chr2-206614462-G-T.
Other names: c.1800G>T, p.Thr600= (NM_018534.4, NM_201266.2, NM_201267.2 and 1 more transcripts).
Identifiers: ClinVar variation 5000143 (VCV005000143.1).
Genomic context (GRCh38, chr2:205,749,738, plus strand): 5'-ACACAGGCTGCTACAGCATTCTCTTATCTTCCTTTGCCCTTACACAGACTCCAAGCCCAC[G>T]GTAGAGACGCTGGGACCCACTGTGAAGAGCGAAGAGACAACCACCCCCTACCCCACCGAA-3'
Protein context (NP_003863.2, residues 590-610): LGCDWTDSKP[Thr600=]VETLGPTVKS

ClinVar aggregate classification (germline): Likely benign (1 of 4 stars; one submission).

Conditions:
NRP2-related disorder. Also called: NRP2-related condition.

Submission:

PreventionGenetics, part of Exact Sciences
Classification: Likely benign for NRP2-related condition. Last evaluated: 2024-10-23. Review status: criteria provided, single submitter. Criteria: ACMG Guidelines, 2015. Collection method: clinical testing. Allele origin: germline.
Comment: This variant is classified as likely benign based on ACMG/AMP sequence variant interpretation guidelines (Richards et al. 2015 PMID: 25741868, with internal and published modifications).